The following is an entry in ClinVar:

NM_016333.4(SRRM2):c.4663G>A (p.Glu1555Lys)

Gene: SRRM2 (serine/arginine repetitive matrix 2; plus strand). Cytogenetic location: 16p13.3.
Variant type: single nucleotide variant.
Coding change: c.4663G>A on transcript NM_016333.4 (MANE Select); coding-DNA position 4663, G replaced by A.
Protein change: p.Glu1555Lys; replaces glutamic acid 1555 with lysine.
Molecular consequence: missense variant.
Genome position (GRCh38, 1-based): chr16:2,765,191, G>A. VCF-style: chr16-2765191-G-A. GRCh37 (hg19) VCF-style: chr16-2815192-G-A.
Other names: short protein forms E1555K.
Identifiers: ClinVar variation 2507369 (VCV002507369.1), dbSNP rs2505609894, ClinGen allele CA394420039.
Genomic context (GRCh38, chr16:2,765,191, plus strand): 5'-CAGAGAAGTCGTTCGGGATCCTCTCAAGAACTTGATGTGAAACCCAGTGCATCCCCTCAG[G>A]AAAGAAGTGAGTCAGACTCTTCTCCAGATTCTAAAGCCAAGACAAGAACCCCACTTCGGC-3'
Protein context (NP_057417.3, residues 1545-1565): LDVKPSASPQ[Glu1555Lys]RSESDSSPDS

ClinVar aggregate classification (germline): Uncertain significance (1 of 4 stars; one submission).

Allele frequency attached by ClinVar (database versions not stated): gnomAD 0.00001.
gnomAD v4.1: 1 of 1,614,022 alleles (0.000062%); highest among the groups gnomAD compares: East Asian, 0.0022%; no homozygotes.

Submission:

GeneDx
Classification: Uncertain significance. Last evaluated: 2023-01-03. Review status: criteria provided, single submitter. Criteria: GeneDx Variant Classification Process June 2021. Collection method: clinical testing. Allele origin: germline. Affected: yes.
Comment: Not observed at significant frequency in large population cohorts (gnomAD); In silico analysis supports that this missense variant does not alter protein structure/function; Has not been previously published as pathogenic or benign to our knowledge